The following is an entry in ClinVar:

ClinVar aggregate classification (germline): Pathogenic/Likely pathogenic. Review status: criteria provided, multiple submitters, no conflicts (2 of 4 stars). 6 submissions from 6 submitters: Pathogenic (4); Likely pathogenic (2). Last evaluated 2026-08-06.

Conditions:
Leukoencephalopathy, progressive, infantile-onset, with or without deafness. Identifiers: MedGen C5542996, MONDO:0030893, OMIM 619147.
Charcot-Marie-Tooth disease recessive intermediate B. Also called: CHARCOT-MARIE-TOOTH NEUROPATHY, RECESSIVE INTERMEDIATE B. Identifiers: Orphanet 254334, MedGen C3150897, MONDO:0013338, OMIM 613641.
KARS-related disorder. Also called: KARS-related disorders.
Inborn genetic diseases. Identifiers: MedGen C0950123, MeSH D030342.

Allele frequency attached by ClinVar (database versions not stated): ExAC 0.00005; gnomAD 0.00002; gnomAD exomes 0.00006 and 0.00001; TOPMed 0.00004.
gnomAD v4.1: 26 of 1,613,870 alleles (0.0016%); highest among the groups gnomAD compares: Admixed American, 0.015%; no homozygotes.

Submissions (6):

OLLIN Analises Genomicas, OLLIN
Classification: Pathogenic for Charcot-Marie-Tooth disease recessive intermediate B. Last evaluated: 2026-08-06. Review status: criteria provided, single submitter. Criteria: ACMG Guidelines 2015 PMID 25741868. Collection method: clinical testing. Allele origin: germline. Inheritance: Autosomal recessive inheritance.
Comment: This missense variant, located in exon 13 (of 14), has been reported in ClinVar (accession VCV000985748.12), in gnomAD with an allele frequency of 0.0016%, and in the scientific literature, in compound heterozygosity, in individuals with KARS1 related disorders (PMID: 31192300, 29615062, 33478492, 34172899). Functional studies suggest that this variant may affect protein function, and in silico analysis predicts a deleterious effect (PMID: 31192300). According to the currently available evidence, this variant has been classified as pathogenic (PS3_P, PM2_P, PM3_VS, PP3_M).

GeneDx
Classification: Pathogenic. Last evaluated: 2026-07-23. Review status: criteria provided, single submitter. Criteria: GeneDx Variant Classification Process June 2021. Collection method: clinical testing. Allele origin: germline.
Comment: Published functional studies demonstrate a damaging effect: significantly reduced enzyme activity (PMID: 31192300); In silico analysis supports that this missense variant has a deleterious effect on protein structure/function; This variant is associated with the following publications: (PMID: 34172899, 30252186, 29615062, 31116475, 31192300, 39062730, 23596069)

Labcorp Genetics (formerly Invitae), Labcorp
Classification: Pathogenic. Last evaluated: 2024-06-17. Review status: criteria provided, single submitter. Criteria: Invitae Variant Classification Sherloc (09022015). Collection method: clinical testing. Allele origin: germline.
Comment: This sequence change replaces threonine, which is neutral and polar, with methionine, which is neutral and non-polar, at codon 587 of the KARS protein (p.Thr587Met). This variant is present in population databases (rs774447299, gnomAD 0.02%). This missense change has been observed in individual(s) with clinical features of Leigh syndrome and/or Leigh syndrome (PMID: 23596069, 31192300, 34172899). In at least one individual the data is consistent with being in trans (on the opposite chromosome) from a pathogenic variant. ClinVar contains an entry for this variant (Variation ID: 985748). Advanced modeling of protein sequence and biophysical properties (such as structural, functional, and spatial information, amino acid conservation, physicochemical variation, residue mobility, and thermodynamic stability) performed at Invitae indicates that this missense variant is expected to disrupt KARS protein function with a positive predictive value of 80%. Experimental studies have shown that this missense change affects KARS function (PMID: 31192300). For these reasons, this variant has been classified as Pathogenic.

Blueprint Genetics
Classification: Likely pathogenic for KARS-related disorders. Last evaluated: 2023-12-19. Review status: criteria provided, single submitter. Criteria: ACMG Guidelines, 2015. Collection method: clinical testing. Allele origin: germline. Affected: yes. Observed: 3 variant alleles.

Centre for Inherited Metabolic Diseases, Karolinska University Hospital
Classification: Pathogenic for Leukoencephalopathy, progressive, infantile-onset, with or without deafness. Last evaluated: 2022-11-22. Review status: criteria provided, single submitter. Criteria: ACMG Guidelines, 2015. Collection method: clinical testing. Allele origin: inherited. Inheritance: Autosomal recessive inheritance. Affected: yes. Observed: 1 compound heterozygote.

Ambry Genetics
Classification: Likely pathogenic for Inborn genetic diseases. Last evaluated: 2017-09-11. Review status: criteria provided, single submitter. Criteria: Ambry exome assertion method (8-5-2015). Collection method: clinical testing. Allele origin: germline. Affected: yes. Observed: 1 variant allele.

Literature cited by the submitters: PubMed 31192300 (cited by OLLIN Analises Genomicas, OLLIN and Labcorp Genetics (formerly Invitae), Labcorp); PubMed 29615062 (cited by OLLIN Analises Genomicas, OLLIN); PubMed 33478492 (cited by OLLIN Analises Genomicas, OLLIN); PubMed 34172899 (cited by OLLIN Analises Genomicas, OLLIN and Labcorp Genetics (formerly Invitae), Labcorp); PubMed 23596069 (cited by Labcorp Genetics (formerly Invitae), Labcorp and Ambry Genetics).

NM_005548.3(KARS1):c.1676C>T (p.Thr559Met)

Gene: KARS1 (lysyl-tRNA synthetase 1; minus strand). Cytogenetic location: 16q23.1.
Variant type: single nucleotide variant.
Coding change: c.1676C>T on transcript NM_005548.3 (MANE Select); coding-DNA position 1676, C replaced by T.
Protein change: p.Thr559Met; replaces threonine 559 with methionine.
Molecular consequence: missense variant.
Genome position (GRCh38, 1-based): chr16:75,628,588, G>A on the plus strand (C>T on the coding strand, the complement: KARS1 is on the minus strand). VCF-style: chr16-75628588-G-A. GRCh37 (hg19) VCF-style: chr16-75662486-G-A.
Other names: c.1760C>T, p.Thr587Met (NM_001130089.2); c.1208C>T, p.Thr403Met (NM_001378148.1); short protein forms T403M, T559M, T587M.
Identifiers: ClinVar variation 985748 (VCV000985748.15), dbSNP rs774447299, ClinGen allele CA8177172.